The following is an entry in ClinVar:

NM_018908.3(PCDHA5):c.2352+6321C>T

Genes: PCDHA1 (protocadherin alpha 1; plus strand), PCDHA2 (protocadherin alpha 2; plus strand), PCDHA3 (protocadherin alpha 3; plus strand), PCDHA4 (protocadherin alpha 4; plus strand), PCDHA5 (protocadherin alpha 5; plus strand) and 2 more. Cytogenetic location: 5q31.3.
Variant type: single nucleotide variant.
Coding change: c.2352+6321C>T on transcript NM_018908.3 (MANE Select); 6321 bases into the intron after coding-DNA position 2352, C replaced by T.
Molecular consequence: intron variant. On other transcripts: missense variant (2).
Genome position (GRCh38, 1-based): chr5:140,830,448, C>T. VCF-style: chr5-140830448-C-T. GRCh37 (hg19) VCF-style: chr5-140210033-C-T.
Other names: c.2357C>T, p.Ala786Val (NM_018909.4, NM_031848.3); c.2394+41764C>T (NM_018900.4); c.1602+42556C>T (NM_031411.3); c.2388+33096C>T (NM_018905.3); c.2394+26857C>T (NM_018906.3); c.2385+20876C>T (NM_018907.4); c.1602+755C>T (NM_031849.3); short protein forms A786V.
Identifiers: ClinVar variation 2655762 (VCV002655762.22), dbSNP rs150956127, ClinGen allele CA3448740.

ClinVar aggregate classification (germline): Likely benign (1 of 4 stars; one submission).

Allele frequency attached by ClinVar (database versions not stated): 1000 Genomes Project 30x 0.00312; TOPMed 0.00627; gnomAD 0.00631.
gnomAD v4.1: 12,933 of 1,600,458 alleles (0.81%); highest among the groups gnomAD compares: Non-Finnish European, 0.94%; 78 homozygotes.

Submission:

CeGaT Center for Human Genetics Tuebingen
Classification: Likely benign. Last evaluated: 2026-09-01. Review status: criteria provided, single submitter. Criteria: CeGaT Center For Human Genetics Tuebingen Variant Classification Criteria Version 2. Collection method: clinical testing. Allele origin: germline. Affected: yes. Observed: 12 variant alleles.
Comment: PCDHA6: BP4, BS2; PCDHA5: BS2; PCDHA2: BS2